The following is an entry in ClinVar:

ClinVar aggregate classification (germline): Conflicting classifications of pathogenicity. Review status: criteria provided, conflicting classifications (1 of 4 stars). 2 submissions from 2 submitters: Uncertain significance (1); Likely benign (1). Last evaluated 2025-11-03.

Conditions:
SLC7A7-related disorder. Also called: SLC7A7-related condition.
Lysinuric protein intolerance (LPI). Identifiers: Orphanet 470, MedGen C0268647, MONDO:0009109, OMIM 222700.

gnomAD v4.1: 1 of 1,614,068 alleles (0.000062%); highest among the groups gnomAD compares: South Asian, 0.0011%; no homozygotes.

Submissions (2):

Labcorp Genetics (formerly Invitae), Labcorp
Classification: Uncertain significance for Lysinuric protein intolerance. Last evaluated: 2025-11-03. Review status: criteria provided, single submitter. Criteria: Invitae Variant Classification Sherloc (09022015). Collection method: clinical testing. Allele origin: germline.
Comment: This sequence change affects codon 421 of the SLC7A7 mRNA. It is a 'silent' change, meaning that it does not change the encoded amino acid sequence of the SLC7A7 protein. This variant is not present in population databases (gnomAD no frequency). This variant has not been reported in the literature in individuals affected with SLC7A7-related conditions. ClinVar contains an entry for this variant (Variation ID: 2010676). Algorithms developed to predict the effect of sequence changes on RNA splicing suggest that this variant may disrupt the consensus splice site. In summary, the available evidence is currently insufficient to determine the role of this variant in disease. Therefore, it has been classified as a Variant of Uncertain Significance.

PreventionGenetics, part of Exact Sciences
Classification: Likely benign for SLC7A7-related condition. Last evaluated: 2025-10-18. Review status: criteria provided, single submitter. Criteria: ACMG Guidelines, 2015. Collection method: clinical testing. Allele origin: germline.
Comment: This variant is classified as likely benign based on ACMG/AMP sequence variant interpretation guidelines (Richards et al. 2015 PMID: 25741868, with internal and published modifications).

NM_003982.4(SLC7A7):c.1263G>C (p.Pro421=)

Gene: SLC7A7 (solute carrier family 7 member 7; minus strand). Cytogenetic location: 14q11.2.
Variant type: single nucleotide variant.
Coding change: c.1263G>C on transcript NM_003982.4 (MANE Select); coding-DNA position 1263, G replaced by C.
Protein change: p.Pro421=; no amino-acid change (proline 421 retained).
Molecular consequence: synonymous variant.
Genome position (GRCh38, 1-based): chr14:22,774,099, C>G on the plus strand (G>C on the coding strand, the complement: SLC7A7 is on the minus strand). VCF-style: chr14-22774099-C-G. GRCh37 (hg19) VCF-style: chr14-23243308-C-G.
Other names: c.1263G>C, p.Pro421= (NM_001126105.3, NM_001126106.4).
Identifiers: ClinVar variation 2010676 (VCV002010676.5), dbSNP rs1043886041, ClinGen allele CA485751578.